The following is an entry in ClinVar:

NM_001371928.1(AHDC1):c.1447G>A (p.Val483Ile)

Gene: AHDC1 (AT-hook DNA binding motif containing 1; minus strand). Cytogenetic location: 1p36.11.
Variant type: single nucleotide variant.
Coding change: c.1447G>A on transcript NM_001371928.1 (MANE Select); coding-DNA position 1447, G replaced by A.
Protein change: p.Val483Ile; replaces valine 483 with isoleucine.
Molecular consequence: missense variant.
Genome position (GRCh38, 1-based): chr1:27,550,669, C>T on the plus strand (G>A on the coding strand, the complement: AHDC1 is on the minus strand). VCF-style: chr1-27550669-C-T. GRCh37 (hg19) VCF-style: chr1-27877180-C-T.
Other names: c.1447G>A, p.Val483Ile (NM_001029882.3); short protein forms V483I.
Identifiers: ClinVar variation 1270985 (VCV001270985.13), dbSNP rs140548603, ClinGen allele CA715941.

ClinVar aggregate classification (germline): Benign/Likely benign. Review status: criteria provided, multiple submitters, no conflicts (2 of 4 stars). 5 submissions from 5 submitters: Benign (2); Likely benign (2). 1 of the submissions does not count toward it. Last evaluated 2025-12-16.

Conditions:
Inborn genetic diseases. Identifiers: MedGen C0950123, MeSH D030342.
AHDC1-related intellectual disability - obstructive sleep apnea - mild dysmorphism syndrome. Also called: Xia-Gibbs syndrome. Identifiers: Orphanet 412069, MedGen C4014419, MONDO:0014358, OMIM 615829.
AHDC1-related disorder. Also called: AHDC1-related condition.

Allele frequency attached by ClinVar (database versions not stated): gnomAD exomes 0.00009; ExAC 0.00010; 1000 Genomes Project 30x 0.00031; 1000 Genomes Project 0.00040; ESP Exome Variant Server 0.00015; TOPMed 0.00025.
gnomAD v4.1: 116 of 1,613,190 alleles (0.0072%); highest among the groups gnomAD compares: African/African-American, 0.083%; no homozygotes.

Submissions (5):

Labcorp Genetics (formerly Invitae), Labcorp
Classification: Likely benign. Last evaluated: 2025-12-16. Review status: criteria provided, single submitter. Criteria: Invitae Variant Classification Sherloc (09022015). Collection method: clinical testing. Allele origin: germline.

Ambry Genetics
Classification: Likely benign for Inborn genetic diseases. Last evaluated: 2023-02-22. Review status: criteria provided, single submitter. Criteria: Ambry Variant Classification Scheme 2023. Collection method: clinical testing. Allele origin: germline.

Genome-Nilou Lab
Classification: Benign for AHDC1-related intellectual disability - obstructive sleep apnea - mild dysmorphism syndrome. Last evaluated: 2021-12-05. Review status: criteria provided, single submitter. Criteria: ACMG Guidelines, 2015. Collection method: clinical testing. Allele origin: germline. Affected: no.

GeneDx
Classification: Benign. Last evaluated: 2021-03-22. Review status: criteria provided, single submitter. Criteria: GeneDx Variant Classification Process June 2021. Collection method: clinical testing. Allele origin: germline. Affected: yes.

PreventionGenetics, part of Exact Sciences
Classification: Likely benign for AHDC1-related condition. Last evaluated: 2023-03-14. Review status: no assertion criteria provided. Collection method: clinical testing. Allele origin: germline. Not counted in ClinVar's aggregate classification.
Comment: This variant is classified as likely benign based on ACMG/AMP sequence variant interpretation guidelines (Richards et al. 2015 PMID: 25741868, with internal and published modifications).